The following is an entry in ClinVar:

ClinVar aggregate classification (germline): Likely benign. Review status: criteria provided, multiple submitters, no conflicts (2 of 4 stars). 5 submissions from 5 submitters: Likely benign (4). 1 of the submissions does not count toward it. Last evaluated 2025-12-05.

Conditions:
POLD1-related polyposis and colorectal cancer syndrome (CRCS10). Also called: Colorectal cancer 10; COLORECTAL CANCER, SUSCEPTIBILITY TO, ON CHROMOSOME 19q; Colorectal cancer, susceptibility to, 10. Identifiers: Orphanet 220460, MedGen C2675481, MONDO:0012953, OMIM 612591.
POLD1-related disorder. Also called: POLD1-related disorders; POLD1-related condition.

Submissions (5):

Labcorp Genetics (formerly Invitae), Labcorp
Classification: Likely benign for POLD1-related polyposis and colorectal cancer syndrome. Last evaluated: 2025-12-05. Review status: criteria provided, single submitter. Criteria: Invitae Variant Classification Sherloc (09022015). Collection method: clinical testing. Allele origin: germline.

Center for Genomic Medicine, Rigshospitalet, Copenhagen University Hospital
Classification: Likely benign. Last evaluated: 2025-03-04. Review status: criteria provided, single submitter. Criteria: ACMG Guidelines, 2015. Collection method: clinical testing. Allele origin: germline.

Myriad Genetics, Inc.
Classification: Likely benign for POLD1-related polyposis and colorectal cancer syndrome. Last evaluated: 2025-02-06. Review status: criteria provided, single submitter. Criteria: Myriad Autosomal Dominant, Autosomal Recessive and X-Linked Classification Criteria (2023). Collection method: clinical testing. Allele origin: unknown.
Comment: This variant is considered likely benign. This variant is intronic and is not expected to impact mRNA splicing.

Blueprint Genetics
Classification: Likely benign. Last evaluated: 2022-11-25. Review status: criteria provided, single submitter. Criteria: ACMG Guidelines, 2015. Collection method: clinical testing. Allele origin: germline.

PreventionGenetics, part of Exact Sciences
Classification: Likely benign for POLD1-related condition. Last evaluated: 2023-08-14. Review status: no assertion criteria provided. Collection method: clinical testing. Allele origin: germline. Not counted in ClinVar's aggregate classification.
Comment: This variant is classified as likely benign based on ACMG/AMP sequence variant interpretation guidelines (Richards et al. 2015 PMID: 25741868, with internal and published modifications).

NM_002691.4(POLD1):c.1384-17CCCA[4]

Gene: POLD1 (DNA polymerase delta 1, catalytic subunit; plus strand). Cytogenetic location: 19q13.33.
Variant type: Microsatellite.
Coding change: c.1384-17CCCA[4] on transcript NM_002691.4 (MANE Select); four copies in a row of the 4-base unit CCCA starting at c.1384-17.
Molecular consequence: intron variant.
Genome position: GRCh38 VCF-style: chr19-50406389-G-GCCCA. GRCh37 (hg19) VCF-style: chr19-50909646-G-GCCCA.
Other names: c.1384-7_1384-4dupCACC (NM_002691.3, NM_002691.4); c.1384-17CCCA[4] (NM_001256849.1, NM_001308632.1).
Identifiers: ClinVar variation 1602703 (VCV001602703.14), dbSNP rs1307903850, ClinGen allele CA883189897.